The following is an entry in ClinVar:

NM_001369268.1(ACAN):c.6494C>A (p.Pro2165Gln)

Gene: ACAN (aggrecan; plus strand). Cytogenetic location: 15q26.1.
Variant type: single nucleotide variant.
Coding change: c.6494C>A on transcript NM_001369268.1 (MANE Select); coding-DNA position 6494, C replaced by A.
Protein change: p.Pro2165Gln; replaces proline 2165 with glutamine.
Molecular consequence: missense variant.
Genome position (GRCh38, 1-based): chr15:88,859,079, C>A. VCF-style: chr15-88859079-C-A. GRCh37 (hg19) VCF-style: chr15-89402310-C-A.
Other names: c.6494C>A, p.Pro2165Gln (NM_001135.4, NM_001411096.1, NM_001411097.1 and 1 more transcripts); short protein forms P2165Q.
Identifiers: ClinVar variation 3900383 (VCV003900383.1).

ClinVar aggregate classification (germline): Uncertain significance (1 of 4 stars; one submission).

Submission:

GeneDx
Classification: Uncertain significance. Last evaluated: 2024-11-25. Review status: criteria provided, single submitter. Criteria: GeneDx Variant Classification Process June 2021. Collection method: clinical testing. Allele origin: germline. Affected: yes.
Comment: Not observed at significant frequency in large population cohorts (gnomAD); In silico analysis supports that this missense variant has a deleterious effect on protein structure/function; Has not been previously published as pathogenic or benign to our knowledge